The following is an entry in ClinVar:

NC_000012.11:g.(?_106751525)_(106773918_106786808)dup

Gene: POLR3B (RNA polymerase III subunit B; plus strand). Cytogenetic location: 12q23.3.
Variant type: Duplication.
Identifiers: ClinVar variation 4689264 (VCV004689264.1).

ClinVar aggregate classification (germline): Uncertain significance (1 of 4 stars; one submission).

Submission:

Women's Health and Genetics/Laboratory Corporation of America, LabCorp
Classification: Uncertain significance. Last evaluated: 2026-01-19. Review status: criteria provided, single submitter. Criteria: LabCorp Variant Classification Summary - May 2015. Collection method: clinical testing. Allele origin: germline.
Comment: Variant summary: The variant involves the duplication of exons 1-9 in the POLR3B gene. A presumed nomenclature of c.(?_-133)_(723+1_724-1)dup has been designated for the purposes of this classification. The exact breakpoint at the 5' end of this variant is unknown, therefore this duplication may extend upstream of the annotated region of this gene. It is predicted to duplicate a segment including the initiation codon, therefore its impact on the encoded protein is unknown. The variant allele was found at a frequency of 2.2e-06 in 462882 control chromosomes in the gnomAD database (CNVs v4.1 dataset). The available data on variant occurrences in the general population are insufficient to allow any conclusion about variant significance. To our knowledge, no occurrence of c.(?_-133)_(723+1_724-1)dup in individuals affected with POLR3B-related conditions and no experimental evidence demonstrating its impact on protein function have been reported. No submitters have cited clinical-significance assessments for this variant to ClinVar. Based on the evidence outlined above, the variant was classified as uncertain significance.